The following is an entry in ClinVar:

ClinVar aggregate classification (germline): Pathogenic (1 of 4 stars; one submission).

Conditions:
Melnick-Needles syndrome (MNS). Also called: MELNICK-NEEDLES OSTEODYSPLASTY; Melnick-Needles Syndrome (FLNA-MNS); OSTEODYSPLASTY OF MELNICK AND NEEDLES. Identifiers: Orphanet 2484, MedGen C0025237, MONDO:0010650, OMIM 309350.
Frontometaphyseal dysplasia (FMD1). Identifiers: Orphanet 1826, MedGen C0265293, MONDO:0015942.
Heterotopia, periventricular, X-linked dominant (PVNH1). Also called: PERIVENTRICULAR NODULAR HETEROTOPIA 1; X-linked periventricular heterotopia; PERIVENTRICULAR NODULAR HETEROTOPIA 4; HETEROTOPIA, PERIVENTRICULAR, 1. Identifiers: Orphanet 2149, Orphanet 82004, MedGen C1848213, MONDO:0010233, OMIM 300049.
Oto-palato-digital syndrome, type II (OPD2). Also called: FACIOPALATOOSSEOUS SYNDROME; Otopalatodigital Syndrome Type 2 (FLNA-OPD2); OPD II SYNDROME; Otopalatodigital Syndrome, Type II. Identifiers: Orphanet 669, Orphanet 90652, MedGen C1844696, MONDO:0010571, OMIM 304120.

Allele frequency attached by ClinVar (database versions not stated): TOPMed below 0.00001.
gnomAD v4.1: 1 of 1,210,153 alleles (0.000083%); highest among the groups gnomAD compares: Admixed American, 0.0022%; no homozygotes.

Submission:

Labcorp Genetics (formerly Invitae), Labcorp
Classification: Pathogenic for Oto-palato-digital syndrome, type II; Heterotopia, periventricular, X-linked dominant; Frontometaphyseal dysplasia; Melnick-Needles syndrome. Last evaluated: 2021-03-13. Review status: criteria provided, single submitter. Criteria: Invitae Variant Classification Sherloc (09022015). Collection method: clinical testing. Allele origin: germline.
Comment: This variant has not been reported in the literature in individuals with FLNA-related conditions. For these reasons, this variant has been classified as Pathogenic. This sequence change creates a premature translational stop signal (p.Glu587*) in the FLNA gene. It is expected to result in an absent or disrupted protein product. Loss-of-function variants in FLNA are known to be pathogenic (PMID: 16684786, 20730588, 26471271). This variant is not present in population databases (ExAC no frequency).

Literature cited by the submitters: PubMed 16684786; PubMed 20730588; PubMed 26471271.

NM_001110556.2(FLNA):c.1759G>T (p.Glu587Ter)

Gene: FLNA (filamin A; minus strand). Cytogenetic location: Xq28.
Variant type: single nucleotide variant.
Coding change: c.1759G>T on transcript NM_001110556.2 (MANE Select); coding-DNA position 1759, G replaced by T.
Protein change: p.Glu587Ter; replaces glutamic acid 587 with a stop codon.
Molecular consequence: nonsense.
Genome position (GRCh38, 1-based): chrX:154,364,890, C>A on the plus strand (G>T on the coding strand, the complement: FLNA is on the minus strand). VCF-style: chrX-154364890-C-A. GRCh37 (hg19) VCF-style: chrX-153593258-C-A.
Other names: c.1759G>T, p.Glu587Ter (NM_001456.4); short protein forms E587*.
Identifiers: ClinVar variation 1429750 (VCV001429750.6), dbSNP rs1447594194, ClinGen allele CA415242540.